The following is an entry in ClinVar:

NM_014915.3(ANKRD26):c.752A>G (p.Lys251Arg)

Gene: ANKRD26 (ankyrin repeat domain containing 26; minus strand). Cytogenetic location: 10p12.1.
Variant type: single nucleotide variant.
Coding change: c.752A>G on transcript NM_014915.3 (MANE Select); coding-DNA position 752, A replaced by G.
Protein change: p.Lys251Arg; replaces lysine 251 with arginine.
Molecular consequence: missense variant.
Genome position (GRCh38, 1-based): chr10:27,079,150, T>C on the plus strand (A>G on the coding strand, the complement: ANKRD26 is on the minus strand). VCF-style: chr10-27079150-T-C. GRCh37 (hg19) VCF-style: chr10-27368079-T-C.
Other names: c.752A>G, p.Lys251Arg (NM_001256053.2); short protein forms K251R.
Identifiers: ClinVar variation 3913701 (VCV003913701.1).
Genomic context (GRCh38, chr10:27,079,150, plus strand): 5'-TTAGTATCAAAATTGAGGTCTTCGTCATCTGAGGTAGGCCATGAATCATCAACACCCGGT[T>C]TGCCAGAAAGCCTTTAGAACAAAAATATAGAAAAATGAGTGAATTCATTTCTTTAAAAAC-3'
Protein context (NP_055730.2, residues 241-261): SEDSLSRLSG[Lys251Arg]PGVDDSWPTS

ClinVar aggregate classification (germline): Uncertain significance (1 of 4 stars; one submission).

Conditions:
Inborn genetic diseases. Identifiers: MedGen C0950123, MeSH D030342.

Submission:

Ambry Genetics
Classification: Uncertain significance for Inborn genetic diseases. Last evaluated: 2025-04-12. Review status: criteria provided, single submitter. Criteria: Ambry Variant Classification Scheme 2023. Collection method: clinical testing. Allele origin: germline.
Comment: The p.K251R variant (also known as c.752A>G), located in coding exon 7 of the ANKRD26 gene, results from an A to G substitution at nucleotide position 752. The lysine at codon 251 is replaced by arginine, an amino acid with highly similar properties. This amino acid position is conserved. In addition, this alteration is predicted to be tolerated by in silico analysis. Based on the available evidence, the clinical significance of this variant remains unclear.